The following is an entry in ClinVar:

NM_001145306.2(CDK6):c.949A>T (p.Ser317Cys)

Gene: CDK6 (cyclin dependent kinase 6; minus strand). Cytogenetic location: 7q21.2.
Variant type: single nucleotide variant.
Coding change: c.949A>T on transcript NM_001145306.2 (MANE Select); coding-DNA position 949, A replaced by T.
Protein change: p.Ser317Cys; replaces serine 317 with cysteine.
Molecular consequence: missense variant.
Genome position (GRCh38, 1-based): chr7:92,615,172, T>A on the plus strand (A>T on the coding strand, the complement: CDK6 is on the minus strand). VCF-style: chr7-92615172-T-A. GRCh37 (hg19) VCF-style: chr7-92244486-T-A.
Other names: NC_000007.13:g.92244486T>A; c.949A>T, p.Ser317Cys (NM_001259.8); short protein forms S317C.
Identifiers: ClinVar variation 210641 (VCV000210641.21), dbSNP rs140409009, ClinGen allele CA205524.
Genomic context (GRCh38, chr7:92,615,172, plus strand): 5'-GGATCAGCTTAAGGCGGCTGCTGAGGCCTCAGGCTGTATTCAGCTCCGAGGTGTTCTGGC[T>A]GGGCGGCAGGTGGGAATCCAGGTTTTCTTTGCACCTTTCCAGGTCCTGGAAGTATGGGTG-3'
Protein context (NP_001138778.1, residues 307-326): KENLDSHLPP[Ser317Cys]QNTSELNTA

ClinVar aggregate classification (germline): Benign/Likely benign. Review status: criteria provided, multiple submitters, no conflicts (2 of 4 stars). 4 submissions from 4 submitters: Benign (2); Likely benign (1). 1 of the submissions does not count toward it. Last evaluated 2025-07-01.

Conditions:
CDK6-related disorder. Also called: CDK6-related condition.

Allele frequency attached by ClinVar (database versions not stated): TOPMed 0.00110; ESP Exome Variant Server 0.00154; 1000 Genomes Project 30x 0.00187; 1000 Genomes Project 0.00200; gnomAD 0.00218 and 0.00227; gnomAD exomes 0.00249 and 0.00388; ExAC 0.00378.
gnomAD v4.1: 3,966 of 1,614,022 alleles (0.25%); highest among the groups gnomAD compares: South Asian, 0.92%; 18 homozygotes.

Submissions (7):

CeGaT Center for Human Genetics Tuebingen
Classification: Likely benign. Last evaluated: 2025-07-01. Review status: criteria provided, single submitter. Criteria: CeGaT Center For Human Genetics Tuebingen Variant Classification Criteria Version 2. Collection method: clinical testing. Allele origin: germline. Affected: yes. Observed: 1 variant allele.
Comment: CDK6: BP4, BS2

Labcorp Genetics (formerly Invitae), Labcorp
Classification: Benign. Last evaluated: 2019-12-31. Review status: criteria provided, single submitter. Criteria: Invitae Variant Classification Sherloc (09022015). Collection method: clinical testing. Allele origin: germline.

Genetic Services Laboratory, University of Chicago
Classification: Benign. Last evaluated: 2015-11-10. Review status: criteria provided, single submitter. Criteria: ACMG Guidelines, 2015. Collection method: clinical testing. Allele origin: germline. Affected: no.

PreventionGenetics, part of Exact Sciences
Classification: Likely benign for CDK6-related condition. Last evaluated: 2019-04-24. Review status: no assertion criteria provided. Collection method: clinical testing. Allele origin: germline. Not counted in ClinVar's aggregate classification.
Comment: This variant is classified as likely benign based on ACMG/AMP sequence variant interpretation guidelines (Richards et al. 2015 PMID: 25741868, with internal and published modifications).

Dr. Peter K. Rogan Lab, Western University
No classification provided (evidence only). Condition: Lung cancer. Review status: no classification provided. Collection method: in vitro. Allele origin: not applicable. Functional consequence: retained intron. Not counted in ClinVar's aggregate classification.

Dr. Peter K. Rogan Lab, Western University
No classification provided (evidence only). Condition: Thyroid cancer, nonmedullary, 1. Review status: no classification provided. Collection method: in vitro. Allele origin: not applicable. Functional consequence: retained intron. Not counted in ClinVar's aggregate classification.

Dr. Peter K. Rogan Lab, Western University
No classification provided (evidence only). Condition: Uterine carcinosarcoma. Review status: no classification provided. Collection method: in vitro. Allele origin: not applicable. Functional consequence: retained intron. Not counted in ClinVar's aggregate classification.